The following is an entry in ClinVar:

NM_001081.4(CUBN):c.6263T>C (p.Phe2088Ser)

Gene: CUBN (cubilin; minus strand). Cytogenetic location: 10p13.
Variant type: single nucleotide variant.
Coding change: c.6263T>C on transcript NM_001081.4 (MANE Select); coding-DNA position 6263, T replaced by C.
Protein change: p.Phe2088Ser; replaces phenylalanine 2088 with serine.
Molecular consequence: missense variant.
Genome position (GRCh38, 1-based): chr10:16,928,165, A>G on the plus strand (T>C on the coding strand, the complement: CUBN is on the minus strand). VCF-style: chr10-16928165-A-G. GRCh37 (hg19) VCF-style: chr10-16970164-A-G.
Other names: short protein forms F2088S.
Identifiers: ClinVar variation 299442 (VCV000299442.17), dbSNP rs74844886, ClinGen allele CA5423750.

ClinVar aggregate classification (germline): Uncertain significance. Review status: criteria provided, multiple submitters, no conflicts (2 of 4 stars). 6 submissions from 6 submitters: Uncertain significance (6). Last evaluated 2024-09-06.

Conditions:
Imerslund-Grasbeck syndrome type 1 (IGS1). Also called: Megaloblastic anemia 1, Finnish type; MEGALOBLASTIC ANEMIA, 1; Imerslund-Gräsbeck syndrome 1. Identifiers: MedGen C4016819, MONDO:0100156, OMIM 261100.
Proteinuria, chronic benign. Identifiers: MedGen C5394384, MONDO:0030042, OMIM 618884.
Imerslund-Grasbeck syndrome. Also called: ENTEROCYTE COBALAMIN MALABSORPTION; ENTEROCYTE INTRINSIC FACTOR RECEPTOR, DEFECT OF; Imerslund-Gräsbeck syndrome; PERNICIOUS ANEMIA, JUVENILE, DUE TO SELECTIVE INTESTINAL MALABSORPTION OF VITAMIN B12, WITH PROTEINURIA; Megaloblastic anemia due to inborn errors of metabolism. Identifiers: Orphanet 35858, MedGen C4551825, MONDO:0009853.
Focal segmental glomerulosclerosis (FSGS). Also called: Glomerulosclerosis, focal; Focal sclerosis with hyalinosis. Identifiers: MedGen C0017668, MONDO:0100313, HP:0000097. Disease mechanism: loss of function.

Allele frequency attached by ClinVar (database versions not stated): ExAC 0.00012; gnomAD exomes 0.00014 and 0.00033; 1000 Genomes Project 30x 0.00016; 1000 Genomes Project 0.00020; ESP Exome Variant Server 0.00023; gnomAD 0.00024 and 0.00029; TOPMed 0.00025.
gnomAD v4.1: 521 of 1,613,772 alleles (0.032%); highest among the groups gnomAD compares: Non-Finnish European, 0.041%; 1 homozygote.

Submissions (6):

Blueprint Genetics
Classification: Uncertain significance. Last evaluated: 2024-09-06. Review status: criteria provided, single submitter. Criteria: ACMG Guidelines, 2015. Collection method: clinical testing. Allele origin: germline.

Fulgent Genetics
Classification: Uncertain significance for Imerslund-Grasbeck syndrome type 1; Proteinuria, chronic benign. Last evaluated: 2024-06-19. Review status: criteria provided, single submitter. Criteria: ACMG Guidelines, 2015. Collection method: clinical testing. Allele origin: germline.

Labcorp Genetics (formerly Invitae), Labcorp
Classification: Uncertain significance for Imerslund-Grasbeck syndrome. Last evaluated: 2024-04-04. Review status: criteria provided, single submitter. Criteria: Invitae Variant Classification Sherloc (09022015). Collection method: clinical testing. Allele origin: germline.
Comment: This sequence change replaces phenylalanine, which is neutral and non-polar, with serine, which is neutral and polar, at codon 2088 of the CUBN protein (p.Phe2088Ser). This variant is present in population databases (rs74844886, gnomAD 0.03%). This variant has not been reported in the literature in individuals affected with CUBN-related conditions. ClinVar contains an entry for this variant (Variation ID: 299442). Advanced modeling of protein sequence and biophysical properties (such as structural, functional, and spatial information, amino acid conservation, physicochemical variation, residue mobility, and thermodynamic stability) performed at Invitae indicates that this missense variant is expected to disrupt CUBN protein function with a positive predictive value of 80%. In summary, the available evidence is currently insufficient to determine the role of this variant in disease. Therefore, it has been classified as a Variant of Uncertain Significance.

ARUP Laboratories, Molecular Genetics and Genomics, ARUP Laboratories
Classification: Uncertain significance. Last evaluated: 2022-03-16. Review status: criteria provided, single submitter. Criteria: ARUP Molecular Germline Variant Investigation Process 2021. Collection method: clinical testing. Allele origin: germline.
Comment: The CUBN c.6263T>C, p.Phe2088Ser variant (rs74844886), to our knowledge, is not reported in the medical literature, but is reported in ClinVar (Variation ID: 299442). This variant is found in the European non-Finnish population with an allele frequency of 0.03% (39/128908 alleles) in the Genome Aggregation Database. The phenylalanine at codon 2088 is moderately conserved, and computational analyses are uncertain whether this variant is neutral or deleterious (REVEL: 0.404). Due to limited information, the clinical significance of the p.Phe2088Ser variant is uncertain at this time.

Molecular Diagnostics Lab, Nemours Children's Health, Delaware
Classification: Uncertain significance for Focal segmental glomerulosclerosis. Last evaluated: 2019-06-03. Review status: criteria provided, single submitter. Criteria: ACMG Guidelines, 2015. Collection method: clinical testing. Allele origin: unknown. Inheritance: Autosomal recessive inheritance. Affected: yes. Observed: 1 heterozygote.
Comment: This missense variant (c.6263T>C, p.Phe2088Ser) has been observed at extremely low frequency in population databases (gnomAD) and has not been reported in the literature. Insufficient evidence exists to classify this change, therefore its significance is uncertain.

Illumina Laboratory Services, Illumina
Classification: Uncertain significance for Imerslund-Grasbeck syndrome type 1. Last evaluated: 2018-01-12. Review status: criteria provided, single submitter. Criteria: ICSL Variant Classification Criteria 13 December 2019. Collection method: clinical testing. Allele origin: germline.